The following is an entry in ClinVar:

NM_001292034.3(TAB2):c.1376A>G (p.Asn459Ser)

Genes: TAB2 (TGF-beta activated kinase 1 (MAP3K7) binding protein 2; plus strand), LOC126859827 (BRD4-independent group 4 enhancer GRCh37_chr6:149699707-149700906; plus strand). Cytogenetic location: 6q25.1.
Variant type: single nucleotide variant.
Coding change: c.1376A>G on transcript NM_001292034.3 (MANE Select); coding-DNA position 1376, A replaced by G.
Protein change: p.Asn459Ser; replaces asparagine 459 with serine.
Molecular consequence: missense variant.
Genome position (GRCh38, 1-based): chr6:149,379,291, A>G. VCF-style: chr6-149379291-A-G. GRCh37 (hg19) VCF-style: chr6-149700427-A-G.
Other names: c.1280A>G, p.Asn427Ser (NM_001292035.3); c.1376A>G, p.Asn459Ser (NM_001369506.1, NM_015093.6); short protein forms N459S, N427S.
Identifiers: ClinVar variation 373684 (VCV000373684.2), dbSNP rs763586712, ClinGen allele CA16042640.

ClinVar aggregate classification (germline): Uncertain significance. Review status: criteria provided, multiple submitters, no conflicts (2 of 4 stars). 2 submissions from 2 submitters: Uncertain significance (2). Last evaluated 2025-09-21.

Allele frequency attached by ClinVar (database versions not stated): gnomAD exomes 0.00001.
gnomAD v4.1: 11 of 1,614,182 alleles (0.00068%); highest among the groups gnomAD compares: East Asian, 0.0022%; no homozygotes.

Submissions (2):

Labcorp Genetics (formerly Invitae), Labcorp
Classification: Uncertain significance. Last evaluated: 2025-09-21. Review status: criteria provided, single submitter. Criteria: Invitae Variant Classification Sherloc (09022015). Collection method: clinical testing. Allele origin: germline.
Comment: This sequence change replaces asparagine, which is neutral and polar, with serine, which is neutral and polar, at codon 459 of the TAB2 protein (p.Asn459Ser). This variant is present in population databases (rs763586712, gnomAD 0.0009%). This variant has not been reported in the literature in individuals affected with TAB2-related conditions. ClinVar contains an entry for this variant (Variation ID: 373684). Invitae Evidence Modeling of protein sequence and biophysical properties (such as structural, functional, and spatial information, amino acid conservation, physicochemical variation, residue mobility, and thermodynamic stability) indicates that this missense variant is not expected to disrupt TAB2 protein function with a negative predictive value of 80%. In summary, the available evidence is currently insufficient to determine the role of this variant in disease. Therefore, it has been classified as a Variant of Uncertain Significance.

GeneDx
Classification: Uncertain significance. Last evaluated: 2016-12-02. Review status: criteria provided, single submitter. Criteria: GeneDx Variant Classification (06012015). Collection method: clinical testing. Allele origin: germline. Affected: yes.
Comment: The N459S variant in the TAB2 gene has not been reported previously as a pathogenic variant, nor as a benign variant, to our knowledge. The N459S variant was not observed in approximately 6500 individuals of European and African American ancestry in the NHLBI Exome Sequencing Project, indicating it is not a common benign variant in these populations. The N459S variant is a conservative amino acid substitution, which is not likely to impact secondary protein structure as these residues share similar properties. This substitution occurs at a position that is conserved across species. In silico analysis is inconsistent in its predictions as to whether or not the variant is damaging to the protein structure/function. We interpret N459S as a variant of uncertain significance.